The following is an entry in ClinVar:

NM_014251.3(SLC25A13):c.1676dup (p.Tyr559Ter)

Gene: SLC25A13 (solute carrier family 25 member 13; minus strand). Cytogenetic location: 7q21.3.
Variant type: Duplication.
Coding change: c.1676dup on transcript NM_014251.3 (MANE Select); coding-DNA position 1676, one base duplicated (A; older notation c.1676dupA).
Protein change: p.Tyr559Ter; replaces tyrosine 559 with a stop codon.
Molecular consequence: nonsense. On other transcripts: non-coding transcript variant (1).
Genome position (GRCh38, 1-based): chr7:96,121,913, T duplicated on the plus strand (A on the coding strand, the reverse complement: SLC25A13 is on the minus strand). VCF-style (leftmost placement, unchanged base first): chr7-96121912-G-GT. GRCh37 (hg19) VCF-style: chr7-95751224-G-GT.
Other names: c.1679dup, p.Tyr560Ter (NM_001160210.2); short protein forms Y559*, Y560*.
Identifiers: ClinVar variation 2678809 (VCV002678809.5), dbSNP rs2485543139, ClinGen allele CA2695199580.
Genomic context (GRCh38, chr7:96,121,912, plus strand): 5'-CCACAGAGCTTTTGGTCCTTCTTCACGCAGTATCTTTCTAAAGCAGTCTATCACTCCGCT[G>GT]TAAGTGGTTTGGCCAGCCCGGGCAGCCACCTGTAATCTCGTCTTGATAACATCAGCAGGG-3'

ClinVar aggregate classification (germline): Pathogenic/Likely pathogenic. Review status: criteria provided, multiple submitters, no conflicts (2 of 4 stars). 2 submissions from 2 submitters: Pathogenic (1); Likely pathogenic (1). Last evaluated 2023-11-20.

Conditions:
Citrullinemia, type II, adult-onset (CDAA). Also called: CITRIN DEFICIENCY, ADOLESCENT OR ADULT ONSET. Identifiers: Orphanet 247585, MedGen CN295299, MONDO:0011326, OMIM 603471.
Citrin deficiency. Identifiers: Orphanet 247582, MedGen C1997910, MONDO:0016602.

Submissions (2):

Baylor Genetics
Classification: Likely pathogenic for Citrullinemia, type II, adult-onset. Last evaluated: 2023-11-20. Review status: criteria provided, single submitter. Criteria: ACMG Guidelines, 2015. Collection method: clinical testing. Allele origin: unknown.

Labcorp Genetics (formerly Invitae), Labcorp
Classification: Pathogenic for Citrin deficiency. Last evaluated: 2023-06-27. Review status: criteria provided, single submitter. Criteria: Invitae Variant Classification Sherloc (09022015). Collection method: clinical testing. Allele origin: germline.
Comment: For these reasons, this variant has been classified as Pathogenic. This variant has not been reported in the literature in individuals affected with SLC25A13-related conditions. This variant is not present in population databases (gnomAD no frequency). This sequence change creates a premature translational stop signal (p.Tyr559*) in the SLC25A13 gene. It is expected to result in an absent or disrupted protein product. Loss-of-function variants in SLC25A13 are known to be pathogenic (PMID: 10369257, 14680984, 27405544).

Literature cited by the submitters: PubMed 10369257 (cited by Labcorp Genetics (formerly Invitae), Labcorp); PubMed 14680984 (cited by Labcorp Genetics (formerly Invitae), Labcorp); PubMed 27405544 (cited by Labcorp Genetics (formerly Invitae), Labcorp).